The following is an entry in ClinVar:

ClinVar aggregate classification (germline): Likely pathogenic (1 of 4 stars; one submission).

Conditions:
X-linked Alport syndrome (ATS1). Also called: NEPHROPATHY AND DEAFNESS, X-LINKED; COL4A5-Related Nephropathy. Identifiers: Orphanet 63, Orphanet 88917, MedGen C4746986, MONDO:0010520, OMIM 301050.

Submission:

3billion
Classification: Likely pathogenic for X-linked Alport syndrome. Last evaluated: 2024-03-07. Review status: criteria provided, single submitter. Criteria: ACMG Guidelines, 2015. Collection method: clinical testing. Allele origin: germline. Affected: yes.
Comment: The variant is not observed in the gnomAD v2.1.1 dataset. Predicted Consequence/Location: Stop-gained (nonsense): predicted to result in a loss or disruption of normal protein function through nonsense-mediated decay (NMD) or protein truncation. Multiple pathogenic variants are reported downstream of the variant. Therefore, this variant is classified as Likely pathogenic according to the recommendation of ACMG/AMP guideline.

NM_033380.3(COL4A5):c.3979G>T (p.Gly1327Ter)

Gene: COL4A5 (collagen type IV alpha 5 chain; plus strand). Cytogenetic location: Xq22.3.
Variant type: single nucleotide variant.
Coding change: c.3979G>T on transcript NM_033380.3 (MANE Select); coding-DNA position 3979, G replaced by T.
Protein change: p.Gly1327Ter; replaces glycine 1327 with a stop codon.
Molecular consequence: nonsense.
Genome position (GRCh38, 1-based): chrX:108,680,715, G>T. VCF-style: chrX-108680715-G-T. GRCh37 (hg19) VCF-style: chrX-107923945-G-T.
Other names: c.3961G>T, p.Gly1321Ter (NM_000495.5); short protein forms G1321*, G1327*.
Identifiers: ClinVar variation 3776251 (VCV003776251.1).
Genomic context (GRCh38, chrX:108,680,715, plus strand): 5'-ACATTAATGATTTTATTTATTCAGGGTAATCCTGGCCGGCCGGGTCTCAATGGAATGAAA[G>T]GAGATCCTGGTCTCCCTGGTGTTCCAGGATTCCCAGGTATTTGAAGGGATTTTTGTGGTT-3'